The following is an entry in ClinVar:

ClinVar aggregate classification (germline): Uncertain significance. Review status: criteria provided, multiple submitters, no conflicts (2 of 4 stars). 2 submissions from 2 submitters: Uncertain significance (2). Last evaluated 2025-07-08.

Conditions:
RYR1-related disorder. Also called: RYR1-related disorders; RYR1-related condition. Identifiers: MedGen CN239331.
Malignant hyperthermia, susceptibility to, 1 (MHS1). Also called: RYR1-Related Malignant Hyperthermia Susceptibility; Malignant hyperthermia suceptibility 1; Anesthesia related hyperthermia; Malignant hyperpyrexia; Fulminating hyperpyrexia; Pharmacogenic myopathy. Identifiers: Orphanet 423, MedGen C2930980, MONDO:0007783, OMIM 145600.

Allele frequency attached by ClinVar (database versions not stated): gnomAD exomes below 0.00001; TOPMed below 0.00001.

Submissions (2):

Color Diagnostics, LLC DBA Color Health
Classification: Uncertain significance for Malignant hyperthermia, susceptibility to, 1. Last evaluated: 2025-07-08. Review status: criteria provided, single submitter. Criteria: ACMG Guidelines, 2015. Collection method: clinical testing. Allele origin: germline.
Comment: This missense variant replaces alanine with threonine at codon 2936 of the RYR1 protein. Computational prediction suggests that this variant may not impact protein structure and function. To our knowledge, functional studies have not been reported for this variant. This variant has not been reported in individuals affected with RYR1-related disorders in the literature. This variant has not been identified in the general population by the Genome Aggregation Database (gnomAD). The available evidence is insufficient to determine the role of this variant in disease conclusively. Therefore, this variant is classified as a Variant of Uncertain Significance.

Labcorp Genetics (formerly Invitae), Labcorp
Classification: Uncertain significance for RYR1-related disorder. Last evaluated: 2022-06-02. Review status: criteria provided, single submitter. Criteria: Invitae Variant Classification Sherloc (09022015). Collection method: clinical testing. Allele origin: germline.
Comment: This variant is not present in population databases (gnomAD no frequency). This sequence change replaces alanine, which is neutral and non-polar, with threonine, which is neutral and polar, at codon 2936 of the RYR1 protein (p.Ala2936Thr). This variant has not been reported in the literature in individuals affected with RYR1-related conditions. Advanced modeling of protein sequence and biophysical properties (such as structural, functional, and spatial information, amino acid conservation, physicochemical variation, residue mobility, and thermodynamic stability) performed at Invitae indicates that this missense variant is not expected to disrupt RYR1 protein function. In summary, the available evidence is currently insufficient to determine the role of this variant in disease. Therefore, it has been classified as a Variant of Uncertain Significance.

NM_000540.3(RYR1):c.8806G>A (p.Ala2936Thr)

Gene: RYR1 (ryanodine receptor 1; plus strand). Cytogenetic location: 19q13.2.
Variant type: single nucleotide variant.
Coding change: c.8806G>A on transcript NM_000540.3 (MANE Select); coding-DNA position 8806, G replaced by A.
Protein change: p.Ala2936Thr; replaces alanine 2936 with threonine.
Molecular consequence: missense variant.
Genome position (GRCh38, 1-based): chr19:38,506,942, G>A. VCF-style: chr19-38506942-G-A. GRCh37 (hg19) VCF-style: chr19-38997582-G-A.
Other names: c.8806G>A, p.Ala2936Thr (NM_001042723.2); short protein forms A2936T.
Identifiers: ClinVar variation 2188804 (VCV002188804.3), dbSNP rs1315420234, ClinGen allele CA405681457.